The following is an entry in ClinVar:

NM_001999.4(FBN2):c.5744A>T (p.Tyr1915Phe)

Gene: FBN2 (fibrillin 2; minus strand). Cytogenetic location: 5q23.3.
Variant type: single nucleotide variant.
Coding change: c.5744A>T on transcript NM_001999.4 (MANE Select); coding-DNA position 5744, A replaced by T.
Protein change: p.Tyr1915Phe; replaces tyrosine 1915 with phenylalanine.
Molecular consequence: missense variant.
Genome position (GRCh38, 1-based): chr5:128,305,013, T>A on the plus strand (A>T on the coding strand, the complement: FBN2 is on the minus strand). VCF-style: chr5-128305013-T-A. GRCh37 (hg19) VCF-style: chr5-127640705-T-A.
Other names: c.5744A>T (NM_001999.3); short protein forms Y1915F.
Identifiers: ClinVar variation 2727350 (VCV002727350.5), dbSNP rs868508482, ClinGen allele CA126983124.
Genomic context (GRCh38, chr5:128,305,013, plus strand): 5'-TTACCCATGCACATGGTCTGGTCCTGAGAAGCCTTAAAGCCATTGTGGCAGATGCACTGG[T>A]AACTTCCTTGCAGATCAACACACAAGCCATGACTGCAAACGTTAGGAATTTCTAAACATT-3'
Protein context (NP_001990.2, residues 1905-1925): HGLCVDLQGS[Tyr1915Phe]QCICHNGFKA

ClinVar aggregate classification (germline): Conflicting classifications of pathogenicity. Review status: criteria provided, conflicting classifications (1 of 4 stars). 3 submissions from 3 submitters: Uncertain significance (2); Likely benign (1). Last evaluated 2026-08-25.

Conditions:
FBN2-related disorder. Also called: FBN2-related condition.
Familial thoracic aortic aneurysm and aortic dissection (TAAD). Also called: Thoracic aortic aneurysms and dissections. Identifiers: Orphanet 91387, MedGen C4707243, MONDO:0019625.
Congenital contractural arachnodactyly (CCA). Also called: BEALS SYNDROME; Beals-Hecht syndrome; Arthrogryposis, distal, type 9. Identifiers: Orphanet 115, MedGen C0220668, MONDO:0007363, OMIM 121050.

Allele frequency attached by ClinVar (database versions not stated): gnomAD exomes 0.00001.

Submissions (3):

PreventionGenetics, part of Exact Sciences
Classification: Uncertain significance for FBN2-related condition. Last evaluated: 2026-08-25. Review status: criteria provided, single submitter. Criteria: ACMG Guidelines, 2015. Collection method: clinical testing. Allele origin: germline.
Comment: The FBN2 c.5744A>T variant is predicted to result in the amino acid substitution p.Tyr1915Phe. To our knowledge, this variant has not been reported in the literature. This variant is reported in 0.00088% of alleles in individuals of European (Non-Finnish) descent in gnomAD. At this time, the clinical significance of this variant is uncertain due to the absence of conclusive functional and genetic evidence.

Ambry Genetics
Classification: Uncertain significance for Familial thoracic aortic aneurysm and aortic dissection. Last evaluated: 2025-12-30. Review status: criteria provided, single submitter. Criteria: Ambry Variant Classification Scheme 2023. Collection method: clinical testing. Allele origin: germline.
Comment: The p.Y1915F variant (also known as c.5744A>T), located in coding exon 45 of the FBN2 gene, results from an A to T substitution at nucleotide position 5744. The tyrosine at codon 1915 is replaced by phenylalanine, an amino acid with highly similar properties. This amino acid position is highly conserved in available vertebrate species. In addition, the in silico prediction for this alteration is inconclusive. Based on the available evidence, the clinical significance of this variant remains unclear.

Labcorp Genetics (formerly Invitae), Labcorp
Classification: Likely benign for Congenital contractural arachnodactyly. Last evaluated: 2024-04-08. Review status: criteria provided, single submitter. Criteria: Invitae Variant Classification Sherloc (09022015). Collection method: clinical testing. Allele origin: germline.